The following is an entry in ClinVar:

ClinVar aggregate classification (germline): Pathogenic/Likely pathogenic. Review status: criteria provided, multiple submitters, no conflicts (2 of 4 stars). 5 submissions from 5 submitters: Pathogenic (3); Likely pathogenic (1). 1 of the submissions does not count toward it. Last evaluated 2026-01-25.

Conditions:
Steroid-resistant nephrotic syndrome. Identifiers: MedGen C0403397, MONDO:0044765, HP:0012588.
Nephrotic syndrome, type 2 (NPHS2). Also called: NEPHROTIC SYNDROME, STEROID-RESISTANT, AUTOSOMAL RECESSIVE. Identifiers: Orphanet 656, MedGen C1868672, MONDO:0010974, OMIM 600995.

gnomAD v4.1: 1 of 1,614,076 alleles (0.000062%); highest among the groups gnomAD compares: Non-Finnish European, 0.000085%; no homozygotes.

Submissions (5):

Natera, Inc.
Classification: Pathogenic for Steroid-resistant nephrotic syndrome. Last evaluated: 2026-01-25. Review status: criteria provided, single submitter. Criteria: Natera Variant Classification Schema (03/2026). Collection method: clinical testing. Allele origin: germline.
Comment: The c.685C>T variant in NPHS2 is a nonsense variant predicted to introduce a stop codon at amino acid 229. This variant is expected to result in nonsense mediated decay, truncation, or a dysfunctional protein product. This variant is rare in the general population with a frequency below the threshold expected for the associated phenotype(s). This variant has been observed in one or more individuals affected with the associated recessive disease, as either homozygous or compound heterozygous with a second variant (PMID: 37204080). Given the available evidence, this variant is classified as Pathogenic.

Labcorp Genetics (formerly Invitae), Labcorp
Classification: Pathogenic. Last evaluated: 2024-01-22. Review status: criteria provided, single submitter. Criteria: Invitae Variant Classification Sherloc (09022015). Collection method: clinical testing. Allele origin: germline.
Comment: This sequence change creates a premature translational stop signal (p.Arg229*) in the NPHS2 gene. It is expected to result in an absent or disrupted protein product. Loss-of-function variants in NPHS2 are known to be pathogenic (PMID: 10742096, 14701729, 15253708, 23595123). This variant is not present in population databases (gnomAD no frequency). This premature translational stop signal has been observed in individual(s) with steroid resistant nephrotic syndrome (PMID: 24227627). ClinVar contains an entry for this variant (Variation ID: 370340). Algorithms developed to predict the effect of sequence changes on RNA splicing suggest that this variant may disrupt the consensus splice site. For these reasons, this variant has been classified as Pathogenic.

Baylor Genetics
Classification: Pathogenic for Nephrotic syndrome, type 2. Last evaluated: 2023-06-18. Review status: criteria provided, single submitter. Criteria: ACMG Guidelines, 2015. Collection method: clinical testing. Allele origin: unknown.

Genome-Nilou Lab
Classification: Likely pathogenic for Nephrotic syndrome, type 2. Last evaluated: 2023-04-11. Review status: criteria provided, single submitter. Criteria: ACMG Guidelines, 2015. Collection method: clinical testing. Allele origin: germline. Affected: no.

Counsyl
Classification: Likely pathogenic for Nephrotic syndrome, type 2. Last evaluated: 2016-01-18. Review status: no assertion criteria provided. Collection method: clinical testing. Allele origin: unknown. Not counted in ClinVar's aggregate classification.

Literature cited by the submitters: PubMed 37204080 (cited by Natera, Inc.); PubMed 10742096 (cited by Labcorp Genetics (formerly Invitae), Labcorp); PubMed 14701729 (cited by Labcorp Genetics (formerly Invitae), Labcorp); PubMed 15253708 (cited by Labcorp Genetics (formerly Invitae), Labcorp); PubMed 23595123 (cited by Labcorp Genetics (formerly Invitae), Labcorp); PubMed 24227627 (cited by Labcorp Genetics (formerly Invitae), Labcorp and Counsyl).

NM_014625.4(NPHS2):c.685C>T (p.Arg229Ter)

Gene: NPHS2 (NPHS2 stomatin family member, podocin; minus strand). Cytogenetic location: 1q25.2.
Variant type: single nucleotide variant.
Coding change: c.685C>T on transcript NM_014625.4 (MANE Select); coding-DNA position 685, C replaced by T.
Protein change: p.Arg229Ter; replaces arginine 229 with a stop codon.
Molecular consequence: nonsense. On other transcripts: intron variant (1).
Genome position (GRCh38, 1-based): chr1:179,557,080, G>A on the plus strand (C>T on the coding strand, the complement: NPHS2 is on the minus strand). VCF-style: chr1-179557080-G-A. GRCh37 (hg19) VCF-style: chr1-179526215-G-A.
Other names: c.535-2549C>T (NM_001297575.2); c.685C>T (NM_014625.3); short protein forms R229*.
Identifiers: ClinVar variation 370340 (VCV000370340.10), dbSNP rs1057516414, ClinGen allele CA16040668.